The following is an entry in ClinVar:

ClinVar aggregate classification (germline): Uncertain significance (1 of 4 stars; one submission).

Submission:

Ambry Genetics
Classification: Uncertain significance. Last evaluated: 2025-01-14. Review status: criteria provided, single submitter. Criteria: Ambry Variant Classification Scheme 2023. Collection method: clinical testing. Allele origin: germline.
Comment: The c.733_734delACinsCA variant, located in coding exon 5 of the ATRIP gene, results from an in-frame deletion of AC and insertion of CA at nucleotide positions 733 to 734. This results in the substitution of the threonine residue for a glutamine residue at codon 245, an amino acid with highly similar properties. This amino acid position is poorly conserved in available vertebrate species. The evidence for this gene-disease relationship is limited; therefore, the clinical significance of this alteration is unclear.

NM_130384.3(ATRIP):c.733_734delinsCA (p.Thr245Gln)

Genes: ATRIP (ATR interacting protein; plus strand), ATRIP-TREX1 (ATRIP-TREX1 readthrough; plus strand). Cytogenetic location: 3p21.31.
Variant type: Indel.
Coding change: c.733_734delinsCA on transcript NM_130384.3 (MANE Select); coding-DNA positions 733 to 734, AC replaced by CA.
Protein change: p.Thr245Gln; replaces threonine 245 with glutamine.
Molecular consequence: missense variant. On other transcripts: non-coding transcript variant (1).
Genome position (GRCh38, 1-based): chr3:48,457,320-48,457,321, AC replaced by CA. VCF-style: chr3-48457320-AC-CA. GRCh37 (hg19) VCF-style: chr3-48498720-AC-CA.
Other names: c.352_353delinsCA, p.Thr118Gln (NM_001271022.2); c.454_455delinsCA, p.Thr152Gln (NM_001271023.2); c.733_734delinsCA, p.Thr245Gln (NM_032166.4); short protein forms T118Q, T152Q, T245Q.
Identifiers: ClinVar variation 3809592 (VCV003809592.1).
Genomic context (GRCh38, chr3:48,457,320, plus strand): 5'-CCTAGGAAAAACCCTTCTGTGGTTATAAAGCCAGAAGCATGTTCTCCACAATTTGGAAAA[AC>CA]ATCTTTTCCTACAAAGGAGTCTTTTAGTGCTAACATGTCCCTTCCCCACCCCTGCCAGAC-3'
Protein context (NP_569055.1, residues 235-255): PEACSPQFGK[Thr245Gln]SFPTKESFSA